The following is an entry in ClinVar:

ClinVar aggregate classification (germline): Uncertain significance. Review status: criteria provided, multiple submitters, no conflicts (2 of 4 stars). 3 submissions from 3 submitters: Uncertain significance (3). Last evaluated 2025-01-27.

Conditions:
Catecholaminergic polymorphic ventricular tachycardia (CVPT). Also called: Catecholamine-induced polymorphic ventricular tachycardia. Identifiers: Orphanet 3286, MedGen C5574922, MONDO:0017990.
Cardiomyopathy (CMYO). Also called: Cardiomyopathies. Identifiers: Orphanet 167848, MedGen C0878544, MONDO:0004994, HP:0001638. Inheritance: Various modes of inheritance.
Catecholaminergic polymorphic ventricular tachycardia 1. Also called: VENTRICULAR TACHYCARDIA, STRESS-INDUCED POLYMORPHIC 1; VENTRICULAR TACHYCARDIA, CATECHOLAMINERGIC POLYMORPHIC, 1, WITH OR WITHOUT ATRIAL DYSFUNCTION AND/OR DILATED CARDIOMYOPATHY; RYR2-Related Catecholaminergic Polymorphic Ventricular Tachycardia. Identifiers: Orphanet 3286, MedGen C1631597, MONDO:0011484, OMIM 604772.

Submissions (3):

Color Diagnostics, LLC DBA Color Health
Classification: Uncertain significance for Cardiomyopathy. Last evaluated: 2025-01-27. Review status: criteria provided, single submitter. Criteria: ACMG Guidelines, 2015. Collection method: clinical testing. Allele origin: germline.
Comment: This missense variant replaces alanine with serine at codon 328 of the RYR2 protein. Computational prediction suggests that this variant may not impact protein structure and function. To our knowledge, functional studies have not been reported for this variant. This variant has not been reported in individuals affected with cardiovascular disorders in the literature. This variant has not been identified in the general population by the Genome Aggregation Database (gnomAD). The available evidence is insufficient to determine the role of this variant in disease conclusively. Therefore, this variant is classified as a Variant of Uncertain Significance.

Labcorp Genetics (formerly Invitae), Labcorp
Classification: Uncertain significance for Catecholaminergic polymorphic ventricular tachycardia 1. Last evaluated: 2024-04-10. Review status: criteria provided, single submitter. Criteria: Invitae Variant Classification Sherloc (09022015). Collection method: clinical testing. Allele origin: germline.
Comment: This sequence change replaces alanine, which is neutral and non-polar, with serine, which is neutral and polar, at codon 328 of the RYR2 protein (p.Ala328Ser). This variant is not present in population databases (gnomAD no frequency). This variant has not been reported in the literature in individuals affected with RYR2-related conditions. Advanced modeling of protein sequence and biophysical properties (such as structural, functional, and spatial information, amino acid conservation, physicochemical variation, residue mobility, and thermodynamic stability) performed at Invitae indicates that this missense variant is not expected to disrupt RYR2 protein function with a negative predictive value of 95%. In summary, the available evidence is currently insufficient to determine the role of this variant in disease. Therefore, it has been classified as a Variant of Uncertain Significance.

All of Us Research Program, National Institutes of Health
Classification: Uncertain significance for Catecholaminergic polymorphic ventricular tachycardia. Last evaluated: 2023-02-24. Review status: criteria provided, single submitter. Criteria: ACMG Guidelines, 2015. Collection method: clinical testing. Allele origin: germline. Inheritance: Autosomal dominant inheritance. Observed: 1 variant allele, 1 heterozygote.
Comment: This missense variant replaces alanine with serine at codon 328 of the RYR2 protein. Computational prediction suggests that this variant may not impact protein structure and function (internally defined REVEL score threshold <= 0.5, PMID: 27666373). To our knowledge, functional studies have not been reported for this variant. This variant has not been reported in individuals affected with cardiovascular disorders in the literature. This variant has not been identified in the general population by the Genome Aggregation Database (gnomAD). The available evidence is insufficient to determine the role of this variant in disease conclusively. Therefore, this variant is classified as a Variant of Uncertain Significance.

This study involves interpretation of variants in research participants for the purpose of population health screening. Participant phenotype was not available at the time of variant classification. Additional details can be found in publication PMID: 35346344, PMCID: PMC8962531

NM_001035.3(RYR2):c.982G>T (p.Ala328Ser)

Gene: RYR2 (ryanodine receptor 2; plus strand). Cytogenetic location: 1q43.
Variant type: single nucleotide variant.
Coding change: c.982G>T on transcript NM_001035.3 (MANE Select); coding-DNA position 982, G replaced by T.
Protein change: p.Ala328Ser; replaces alanine 328 with serine.
Molecular consequence: missense variant.
Genome position (GRCh38, 1-based): chr1:237,423,225, G>T. VCF-style: chr1-237423225-G-T. GRCh37 (hg19) VCF-style: chr1-237586525-G-T.
Other names: short protein forms A328S.
Identifiers: ClinVar variation 2774247 (VCV002774247.5), dbSNP rs201669522, ClinGen allele CA345385575.